The following is an entry in ClinVar:

ClinVar aggregate classification (germline): Uncertain significance (1 of 4 stars; one submission).

Conditions:
Arrhythmogenic right ventricular dysplasia 11. Also called: Arrhythmogenic right ventricular dysplasia 11 with mild palmoplantar keratoderma and woolly hair; Arrhythmogenic Right Ventricular Dysplasia/Cardiomyopathy11; ARRHYTHMOGENIC RIGHT VENTRICULAR DYSPLASIA, FAMILIAL, 11. Identifiers: MedGen C1864850, MONDO:0012506, OMIM 610476.

Submission:

Labcorp Genetics (formerly Invitae), Labcorp
Classification: Uncertain significance for Arrhythmogenic right ventricular dysplasia 11. Last evaluated: 2025-12-15. Review status: criteria provided, single submitter. Criteria: Invitae Variant Classification Sherloc (09022015). Collection method: clinical testing. Allele origin: germline.
Comment: This sequence change creates a premature translational stop signal (p.Ala866Glyfs*3) in the DSC2 gene. While this is not anticipated to result in nonsense mediated decay, it is expected to disrupt the last 36 amino acid(s) of the DSC2 protein. This variant is not present in population databases (gnomAD no frequency). This variant has not been reported in the literature in individuals affected with DSC2-related conditions. ClinVar contains an entry for this variant (Variation ID: 1479445). In summary, the available evidence is currently insufficient to determine the role of this variant in disease. Therefore, it has been classified as a Variant of Uncertain Significance.

NM_024422.6(DSC2):c.2597_2600del (p.Ala866fs)

Gene: DSC2 (desmocollin 2; minus strand). Cytogenetic location: 18q12.1.
Variant type: Deletion.
Coding change: c.2597_2600del on transcript NM_024422.6 (MANE Select); coding-DNA positions 2597 to 2600, 4 bases deleted (CTGG; older notation c.2597_2600delCTGG).
Protein change: p.Ala866fs; shifts the reading frame from alanine 866.
Molecular consequence: frameshift variant. On other transcripts: 3 prime UTR variant (1).
Genome position (GRCh38, 1-based): chr18:31,068,121-31,068,124, CCAG deleted on the plus strand (CTGG on the coding strand, the reverse complement: DSC2 is on the minus strand); deleting any 4 consecutive bases within chr18:31,068,121-31,068,127 gives the same sequence; the c. name uses the placement nearest the transcript's 3' end. VCF-style (leftmost placement, unchanged base first): chr18-31068120-CCCAG-C. GRCh37 (hg19) VCF-style: chr18-28648086-CCCAG-C.
Other names: c.*99_*102del (NM_004949.5); short protein forms A866fs.
Identifiers: ClinVar variation 1479445 (VCV001479445.6), dbSNP rs2144781031, ClinGen allele CA2573155198.
Genomic context (GRCh38, chr18:31,068,120, plus strand): 5'-CAAATTATCCAAAAATTCAAGCCCATCTTCTTCTTGTCGTTCACTGCAACAACCTACAGA[CCCAG>C]CCACCGATCCTCTTCCTTCATAGTTATATGTCAGGACATAGTCTTGGGCATGCTTGTGAT-3'